The following is an entry in ClinVar:

NM_000257.4(MYH7):c.1842C>T (p.Leu614=)

Gene: MYH7 (myosin heavy chain 7; minus strand). Cytogenetic location: 14q11.2.
Variant type: single nucleotide variant.
Coding change: c.1842C>T on transcript NM_000257.4 (MANE Select); coding-DNA position 1842, C replaced by T.
Protein change: p.Leu614=; no amino-acid change (leucine 614 retained).
Molecular consequence: synonymous variant.
Genome position (GRCh38, 1-based): chr14:23,427,631, G>A on the plus strand (C>T on the coding strand, the complement: MYH7 is on the minus strand). VCF-style: chr14-23427631-G-A. GRCh37 (hg19) VCF-style: chr14-23896840-G-A.
Other names: c.1842C>T, p.Leu614= (NM_001407004.1).
Identifiers: ClinVar variation 3387346 (VCV003387346.1).

ClinVar aggregate classification (germline): Likely benign (1 of 4 stars; one submission).

Conditions:
Cardiomyopathy (CMYO). Also called: Cardiomyopathies. Identifiers: Orphanet 167848, MedGen C0878544, MONDO:0004994, HP:0001638. Inheritance: Various modes of inheritance.

Submission:

All of Us Research Program, National Institutes of Health
Classification: Likely benign for Cardiomyopathy. Last evaluated: 2024-07-10. Review status: criteria provided, single submitter. Criteria: ACMG Guidelines, 2015. Collection method: clinical testing. Allele origin: germline. Inheritance: Autosomal dominant inheritance. Observed: 1 variant allele, 1 heterozygote.
Comment: This study involves interpretation of variants in research participants for the purpose of population health screening. Participant phenotype was not available at the time of variant classification. Additional details can be found in publication PMID: 35346344, PMCID: PMC8962531